The following is an entry in ClinVar:

NM_018006.5(TRMU):c.71_78del (p.Leu24fs)

Gene: TRMU (tRNA mitochondrial 2-thiouridylase; plus strand). Cytogenetic location: 22q13.31.
Variant type: Deletion.
Coding change: c.71_78del on transcript NM_018006.5 (MANE Select); coding-DNA positions 71 to 78, 8 bases deleted (TGAGGCGG; older notation c.71_78delTGAGGCGG).
Protein change: p.Leu24fs; shifts the reading frame from leucine 24.
Molecular consequence: frameshift variant. On other transcripts: 5 prime UTR variant (3), non-coding transcript variant (2).
Genome position (GRCh38, 1-based): chr22:46,335,835-46,335,842, TGAGGCGG deleted. VCF-style (leftmost placement, unchanged base first): chr22-46335834-CTGAGGCGG-C. GRCh37 (hg19) VCF-style: chr22-46731731-CTGAGGCGG-C.
Other names: c.-165_-158del (NM_001282782.2); c.-184_-177del (NM_001282783.2, NM_001282784.2); c.71_78del, p.Leu24fs (NM_001282785.2); short protein forms L24fs.
Identifiers: ClinVar variation 5014052 (VCV005014052.1).

ClinVar aggregate classification (germline): Pathogenic (1 of 4 stars; one submission).

Conditions:
Acute infantile liver failure due to synthesis defect of mtDNA-encoded proteins. Also called: Liver failure acute infantile; LIVER FAILURE, INFANTILE, TRANSIENT; TRMU Deficiency. Identifiers: Orphanet 217371, MedGen C3278664, MONDO:0013111, OMIM 613070.

Submission:

Myriad Genetics, Inc.
Classification: Pathogenic for Acute infantile liver failure due to synthesis defect of mtDNA-encoded proteins. Last evaluated: 2025-02-02. Review status: criteria provided, single submitter. Criteria: Myriad Autosomal Dominant, Autosomal Recessive and X-Linked Classification Criteria (2023). Collection method: clinical testing. Allele origin: unknown.
Comment: NM_018006.4(TRMU):c.71_78del8(L24Qfs*18) is expected to be pathogenic in the context of acute liver failure, TRMU-related. This variant is predicted to lead to an abnormal or absent protein product due to the creation of a premature termination codon in TRMU, a gene where loss-of-function variants are known to be pathogenic. Please note: this variant was assessed in the context of healthy population screening.